The following is an entry in ClinVar:

NM_000426.4(LAMA2):c.821A>G (p.Tyr274Cys)

Gene: LAMA2 (laminin subunit alpha 2; plus strand). Cytogenetic location: 6q22.33.
Variant type: single nucleotide variant.
Coding change: c.821A>G on transcript NM_000426.4 (MANE Select); coding-DNA position 821, A replaced by G.
Protein change: p.Tyr274Cys; replaces tyrosine 274 with cysteine.
Molecular consequence: missense variant.
Genome position (GRCh38, 1-based): chr6:129,146,960, A>G. VCF-style: chr6-129146960-A-G. GRCh37 (hg19) VCF-style: chr6-129468105-A-G.
Other names: c.821A>G, p.Tyr274Cys (NM_001079823.2); short protein forms Y274C.
Identifiers: ClinVar variation 1912266 (VCV001912266.5), dbSNP rs1778492970, ClinGen allele CA365606267.

ClinVar aggregate classification (germline): Uncertain significance (1 of 4 stars; one submission).

Conditions:
LAMA2-related muscular dystrophy (LAMA2-RD). Also called: Laminin alpha 2-related dystrophy. Identifiers: MedGen C5679788, MONDO:0100228.

Allele frequency attached by ClinVar (database versions not stated): gnomAD exomes below 0.00001; TOPMed 0.00001.
gnomAD v4.1: 2 of 1,601,886 alleles (0.00012%); highest among the groups gnomAD compares: Non-Finnish European, 0.00017%; no homozygotes.

Submission:

Labcorp Genetics (formerly Invitae), Labcorp
Classification: Uncertain significance for LAMA2-related muscular dystrophy. Last evaluated: 2022-09-27. Review status: criteria provided, single submitter. Criteria: Invitae Variant Classification Sherloc (09022015). Collection method: clinical testing. Allele origin: germline.
Comment: This sequence change replaces tyrosine, which is neutral and polar, with cysteine, which is neutral and slightly polar, at codon 274 of the LAMA2 protein (p.Tyr274Cys). In summary, the available evidence is currently insufficient to determine the role of this variant in disease. Therefore, it has been classified as a Variant of Uncertain Significance. Algorithms developed to predict the effect of missense changes on protein structure and function are either unavailable or do not agree on the potential impact of this missense change (SIFT: "Tolerated"; PolyPhen-2: "Probably Damaging"; Align-GVGD: "Class C0"). This variant has not been reported in the literature in individuals affected with LAMA2-related conditions. This variant is not present in population databases (gnomAD no frequency).